The following is an entry in ClinVar:

NM_001361.5(DHODH):c.41del (p.Val14fs)

Gene: DHODH (dihydroorotate dehydrogenase (quinone); plus strand). Cytogenetic location: 16q22.2.
Variant type: Deletion.
Coding change: c.41del on transcript NM_001361.5 (MANE Select); coding-DNA position 41, one base deleted (T; older notation c.41delT).
Protein change: p.Val14fs; shifts the reading frame from valine 14.
Molecular consequence: frameshift variant.
Genome position (GRCh38, 1-based): chr16:72,012,069, T deleted. VCF-style (leftmost placement, unchanged base first): chr16-72012068-GT-G. GRCh37 (hg19) VCF-style: chr16-72045967-GT-G.
Other names: short protein forms V14fs.
Identifiers: ClinVar variation 4880622 (VCV004880622.2).

ClinVar aggregate classification (germline): Likely pathogenic (1 of 4 stars; one submission).

Submission:

Dasa
Classification: Likely pathogenic. Last evaluated: 2024-12-09. Review status: criteria provided, single submitter. Criteria: DASA Assertion Criteria. Collection method: clinical testing. Allele origin: germline.
Comment: NM_001361.5(DHODH):c.41del (p.Val14Glyfs*15) is a frameshift variant in DHODH predicted to alter the reading frame and introduce a premature termination codon and is predicted to result in an absent or altered protein product. Loss of function is an established disease mechanism for DHODH-associated disorders. Also, this variant is rare in population databases. Based on the currently available evidence, this variant is classified as likely pathogenic.